The following is an entry in ClinVar:

ClinVar aggregate classification (germline): Uncertain significance (1 of 4 stars; one submission).

Allele frequency attached by ClinVar (database versions not stated): gnomAD exomes 0.00001.

Submission:

GeneDx
Classification: Uncertain significance. Last evaluated: 2022-03-01. Review status: criteria provided, single submitter. Criteria: GeneDx Variant Classification Process June 2021. Collection method: clinical testing. Allele origin: germline. Affected: yes.
Comment: Not observed at significant frequency in large population cohorts (gnomAD); In silico analysis supports that this missense variant has a deleterious effect on protein structure/function; Has not been previously published as pathogenic or benign to our knowledge

NM_001292063.2(OTOG):c.1639G>A (p.Gly547Ser)

Gene: OTOG (otogelin; plus strand). Cytogenetic location: 11p15.1.
Variant type: single nucleotide variant.
Coding change: c.1639G>A on transcript NM_001292063.2 (MANE Select); coding-DNA position 1639, G replaced by A.
Protein change: p.Gly547Ser; replaces glycine 547 with serine.
Molecular consequence: missense variant.
Genome position (GRCh38, 1-based): chr11:17,561,802, G>A. VCF-style: chr11-17561802-G-A. GRCh37 (hg19) VCF-style: chr11-17583349-G-A.
Other names: c.1675G>A, p.Gly559Ser (NM_001277269.2); short protein forms G547S, G559S.
Identifiers: ClinVar variation 1703891 (VCV001703891.2), dbSNP rs1852191884, ClinGen allele CA379818495.